The following is an entry in ClinVar:

ClinVar aggregate classification (germline): Uncertain significance (1 of 4 stars; one submission).

gnomAD v4.1: 1 of 1,612,692 alleles (0.000062%); highest among the groups gnomAD compares: African/African-American, 0.0013%; no homozygotes.

Submission:

Labcorp Genetics (formerly Invitae), Labcorp
Classification: Uncertain significance. Last evaluated: 2024-11-27. Review status: criteria provided, single submitter. Criteria: Invitae Variant Classification Sherloc (09022015). Collection method: clinical testing. Allele origin: germline.
Comment: This sequence change replaces cysteine, which is neutral and slightly polar, with arginine, which is basic and polar, at codon 966 of the FBN3 protein (p.Cys966Arg). This variant is present in population databases (rs754488715, gnomAD 0.007%). This variant has not been reported in the literature in individuals affected with FBN3-related conditions. Invitae Evidence Modeling of protein sequence and biophysical properties (such as structural, functional, and spatial information, amino acid conservation, physicochemical variation, residue mobility, and thermodynamic stability) indicates that this missense variant is expected to disrupt FBN3 protein function with a positive predictive value of 80%. In summary, the available evidence is currently insufficient to determine the role of this variant in disease. Therefore, it has been classified as a Variant of Uncertain Significance.

NM_032447.5(FBN3):c.2896T>C (p.Cys966Arg)

Gene: FBN3 (fibrillin 3; minus strand). Cytogenetic location: 19p13.2.
Variant type: single nucleotide variant.
Coding change: c.2896T>C on transcript NM_032447.5 (MANE Select); coding-DNA position 2896, T replaced by C.
Protein change: p.Cys966Arg; replaces cysteine 966 with arginine.
Molecular consequence: missense variant.
Genome position (GRCh38, 1-based): chr19:8,123,844, A>G on the plus strand (T>C on the coding strand, the complement: FBN3 is on the minus strand). VCF-style: chr19-8123844-A-G. GRCh37 (hg19) VCF-style: chr19-8188728-A-G.
Other names: c.2896T>C, p.Cys966Arg (NM_001321431.2); short protein forms C966R.
Identifiers: ClinVar variation 3715704 (VCV003715704.2).